The following is an entry in ClinVar:

ClinVar aggregate classification (germline): Uncertain significance (1 of 4 stars; one submission).

Conditions:
Hereditary cancer-predisposing syndrome. Also called: Neoplastic Syndromes, Hereditary; Tumor predisposition; Hereditary Cancer Syndrome; Hereditary neoplastic syndrome. Identifiers: Orphanet 140162, MedGen C0027672, MeSH D009386, MONDO:0015356.

Submission:

Ambry Genetics
Classification: Uncertain significance for Hereditary cancer-predisposing syndrome. Last evaluated: 2025-11-03. Review status: criteria provided, single submitter. Criteria: Ambry Variant Classification Scheme 2023. Collection method: clinical testing. Allele origin: germline.
Comment: The p.E488Q variant (also known as c.1462G>C), located in coding exon 10 of the FH gene, results from a G to C substitution at nucleotide position 1462. The glutamic acid at codon 488 is replaced by glutamine, an amino acid with highly similar properties. This amino acid position is conserved. In addition, the in silico prediction for this alteration is inconclusive. Based on the available evidence, the clinical significance of this variant remains unclear.

NM_000143.4(FH):c.1462G>C (p.Glu488Gln)

Gene: FH (fumarate hydratase; minus strand). Cytogenetic location: 1q43.
Variant type: single nucleotide variant.
Coding change: c.1462G>C on transcript NM_000143.4 (MANE Select); coding-DNA position 1462, G replaced by C.
Protein change: p.Glu488Gln; replaces glutamic acid 488 with glutamine.
Molecular consequence: missense variant.
Genome position (GRCh38, 1-based): chr1:241,497,899, C>G on the plus strand (G>C on the coding strand, the complement: FH is on the minus strand). VCF-style: chr1-241497899-C-G. GRCh37 (hg19) VCF-style: chr1-241661199-C-G.
Other names: short protein forms E488Q.
Identifiers: ClinVar variation 4642171 (VCV004642171.1).
Genomic context (GRCh38, chr1:241,497,899, plus strand): 5'-CCAGCATGTCCTTAGGTTTTACCCATTCGTCAAACTGCTCTGCTGTGAGATAGCCAAGTT[C>G]GATAGCAGTTTCCTTTAAGGTTGATCCATTTTTGTGTGCTGTCTTAGCAATCTTTGCTGC-3'
Protein context (NP_000134.2, residues 478-498): NGSTLKETAI[Glu488Gln]LGYLTAEQFD